The following is an entry in ClinVar:

NM_198525.3(KIF7):c.1339G>A (p.Val447Ile)

Gene: KIF7 (kinesin family member 7; minus strand). Cytogenetic location: 15q26.1.
Variant type: single nucleotide variant.
Coding change: c.1339G>A on transcript NM_198525.3 (MANE Select); coding-DNA position 1339, G replaced by A.
Protein change: p.Val447Ile; replaces valine 447 with isoleucine.
Molecular consequence: missense variant.
Genome position (GRCh38, 1-based): chr15:89,648,359, C>T on the plus strand (G>A on the coding strand, the complement: KIF7 is on the minus strand). VCF-style: chr15-89648359-C-T. GRCh37 (hg19) VCF-style: chr15-90191590-C-T.
Other names: short protein forms V447I.
Identifiers: ClinVar variation 1505539 (VCV001505539.6), dbSNP rs1964054912, ClinGen allele CA393771127.
Genomic context (GRCh38, chr15:89,648,359, plus strand): 5'-CGCTCTCGATGCCGCTATCGGGCCCGGAGGCGGAGCTCAGGGCGCTGCGCTCGCCCTCGA[C>T]GGCGCACAGCCAGTCGCGCACCTTGCGGGCGGCGGCGCCGGGCAGCCCGGGCTCGGCCTG-3'
Protein context (NP_940927.2, residues 437-457): ARKVRDWLCA[Val447Ile]EGERSALSSA

ClinVar aggregate classification (germline): Uncertain significance (1 of 4 stars; one submission).

Conditions:
Acrocallosal syndrome (ACLS). Also called: HALLUX DUPLICATION, POSTAXIAL POLYDACTYLY, AND ABSENCE OF CORPUS CALLOSUM; Schinzel syndrome 1; Absence of corpus callosum with unusual facial appearance, mental deficiency, duplication of the halluces and polydactyly. Identifiers: Orphanet 36, MedGen C0796147, MONDO:0008708, OMIM 200990.

Submission:

Labcorp Genetics (formerly Invitae), Labcorp
Classification: Uncertain significance for Acrocallosal syndrome. Last evaluated: 2023-08-17. Review status: criteria provided, single submitter. Criteria: Invitae Variant Classification Sherloc (09022015). Collection method: clinical testing. Allele origin: germline.
Comment: This sequence change replaces valine, which is neutral and non-polar, with isoleucine, which is neutral and non-polar, at codon 447 of the KIF7 protein (p.Val447Ile). In summary, the available evidence is currently insufficient to determine the role of this variant in disease. Therefore, it has been classified as a Variant of Uncertain Significance. Advanced modeling of protein sequence and biophysical properties (such as structural, functional, and spatial information, amino acid conservation, physicochemical variation, residue mobility, and thermodynamic stability) performed at Invitae indicates that this missense variant is not expected to disrupt KIF7 protein function. ClinVar contains an entry for this variant (Variation ID: 1505539). This variant has not been reported in the literature in individuals affected with KIF7-related conditions. This variant is not present in population databases (gnomAD no frequency).